The following is an entry in ClinVar:

ClinVar aggregate classification (germline): Benign/Likely benign. Review status: criteria provided, multiple submitters, no conflicts (2 of 4 stars). 2 submissions from 2 submitters: Benign (1); Likely benign (1). Last evaluated 2026-01-26.

Allele frequency attached by ClinVar (database versions not stated): gnomAD 0.00011; gnomAD exomes 0.00037 and 0.00078; TOPMed 0.00037; ExAC 0.00054.
gnomAD v4.1: 242 of 1,614,010 alleles (0.015%); highest among the groups gnomAD compares: Admixed American, 0.39%; 1 homozygote.

Submissions (2):

Labcorp Genetics (formerly Invitae), Labcorp
Classification: Benign. Last evaluated: 2026-01-26. Review status: criteria provided, single submitter. Criteria: Invitae Variant Classification Sherloc (09022015). Collection method: clinical testing. Allele origin: germline.

Mayo Clinic Laboratories, Mayo Clinic
Classification: Likely benign. Last evaluated: 2025-11-20. Review status: criteria provided, single submitter. Criteria: ACMG Guidelines, 2015. Collection method: clinical testing. Allele origin: germline. Observed: 1 variant allele.
Comment: BS1

NM_018685.5(ANLN):c.2150A>G (p.Lys717Arg)

Gene: ANLN (anillin, actin binding protein; plus strand). Cytogenetic location: 7p14.2.
Variant type: single nucleotide variant.
Coding change: c.2150A>G on transcript NM_018685.5 (MANE Select); coding-DNA position 2150, A replaced by G.
Protein change: p.Lys717Arg; replaces lysine 717 with arginine.
Molecular consequence: missense variant.
Genome position (GRCh38, 1-based): chr7:36,420,731, A>G. VCF-style: chr7-36420731-A-G. GRCh37 (hg19) VCF-style: chr7-36460340-A-G.
Other names: p.Lys717Arg; c.2039A>G, p.Lys680Arg (NM_001284301.3); c.2036A>G, p.Lys679Arg (NM_001284302.3); short protein forms K679R, K680R, K717R.
Identifiers: ClinVar variation 1166690 (VCV001166690.10), dbSNP rs763444969, ClinGen allele CA4219782.